The following is an entry in ClinVar:

ClinVar aggregate classification (germline): Uncertain significance (1 of 4 stars; one submission).

Conditions:
Emery-Dreifuss muscular dystrophy 5, autosomal dominant (EDMD5). Also called: EMERY-DREIFUSS MUSCULAR DYSTROPHY 5. Identifiers: Orphanet 261, MedGen C2751805, MONDO:0013072, OMIM 612999.

Submission:

Labcorp Genetics (formerly Invitae), Labcorp
Classification: Uncertain significance for Emery-Dreifuss muscular dystrophy 5, autosomal dominant. Last evaluated: 2022-11-24. Review status: criteria provided, single submitter. Criteria: Invitae Variant Classification Sherloc (09022015). Collection method: clinical testing. Allele origin: germline.
Comment: This sequence change replaces serine, which is neutral and polar, with arginine, which is basic and polar, at codon 6584 of the SYNE2 protein (p.Ser6584Arg). This variant is not present in population databases (gnomAD no frequency). This variant has not been reported in the literature in individuals affected with SYNE2-related conditions. Algorithms developed to predict the effect of missense changes on protein structure and function output the following: SIFT: "Tolerated"; PolyPhen-2: "Benign"; Align-GVGD: "Class C0". The arginine amino acid residue is found in multiple mammalian species, which suggests that this missense change does not adversely affect protein function. In summary, the available evidence is currently insufficient to determine the role of this variant in disease. Therefore, it has been classified as a Variant of Uncertain Significance.

NM_182914.3(SYNE2):c.19752C>G (p.Ser6584Arg)

Gene: SYNE2 (spectrin repeat containing nuclear envelope protein 2; plus strand). Cytogenetic location: 14q23.2.
Variant type: single nucleotide variant.
Coding change: c.19752C>G on transcript NM_182914.3 (MANE Select); coding-DNA position 19752, C replaced by G.
Protein change: p.Ser6584Arg; replaces serine 6584 with arginine.
Molecular consequence: missense variant.
Genome position (GRCh38, 1-based): chr14:64,219,302, C>G. VCF-style: chr14-64219302-C-G. GRCh37 (hg19) VCF-style: chr14-64686020-C-G.
Other names: c.19683C>G, p.Ser6561Arg (NM_015180.6); c.276C>G, p.Ser92Arg (NM_182910.2); c.654C>G, p.Ser218Arg (NM_182913.4); short protein forms S218R, S6584R, S92R, S6561R.
Identifiers: ClinVar variation 2813637 (VCV002813637.3), dbSNP rs1458904140, ClinGen allele CA389964439.